The following is an entry in ClinVar:

NM_002609.4(PDGFRB):c.1684T>G (p.Tyr562Asp)

Gene: PDGFRB (platelet derived growth factor receptor beta; minus strand). Cytogenetic location: 5q32.
Variant type: single nucleotide variant.
Coding change: c.1684T>G on transcript NM_002609.4 (MANE Select); coding-DNA position 1684, T replaced by G.
Protein change: p.Tyr562Asp; replaces tyrosine 562 with aspartic acid.
Molecular consequence: missense variant.
Genome position (GRCh38, 1-based): chr5:150,125,568, A>C on the plus strand (T>G on the coding strand, the complement: PDGFRB is on the minus strand). VCF-style: chr5-150125568-A-C. GRCh37 (hg19) VCF-style: chr5-149505131-A-C.
Other names: c.1492T>G, p.Tyr498Asp (NM_001355016.2); c.1201T>G, p.Tyr401Asp (NM_001355017.2); short protein forms Y562D, Y498D, Y401D.
Identifiers: ClinVar variation 973197 (VCV000973197.3), dbSNP rs1760271956, ClinGen allele CA361766393.

ClinVar aggregate classification (germline): Pathogenic (1 of 4 stars; one submission).

Conditions:
Infantile myofibromatosis (IMF). Also called: Congenital generalized fibromatosis. Identifiers: Orphanet 2591, MedGen C0432284, MONDO:0016824.

Submission:

Demoulin lab, University of Louvain
Classification: Pathogenic for Infantile myofibromatosis. Last evaluated: 2018-08-10. Review status: criteria provided, single submitter. Criteria: Dachy G et al. (JAMA Dermatol 2019). Collection method: research. Allele origin: somatic. Affected: yes. Observed: 1 variant allele.
Comment: The mutation strongly activates PDGFRB signaling in in vitro assays (gain of function).

This gain-of-function mutation of PDGFRB is sensitive to tyrosine kinase inhibitor imatinib.